The following is an entry in ClinVar:

NM_004407.4(DMP1):c.184-1G>A

Genes: DMP1 (dentin matrix acidic phosphoprotein 1; plus strand), DMP1-AS1 (DMP1 and DSPP antisense RNA 1; minus strand). Cytogenetic location: 4q22.1.
Variant type: single nucleotide variant.
Coding change: c.184-1G>A on transcript NM_004407.4 (MANE Select); the canonical splice acceptor site of the intron before coding-DNA position 184, G replaced by A.
Molecular consequence: splice acceptor variant.
Genome position (GRCh38, 1-based): chr4:87,661,961, G>A. VCF-style: chr4-87661961-G-A. GRCh37 (hg19) VCF-style: chr4-88583113-G-A.
Other names: c.136-1G>A (NM_001079911.3).
Identifiers: ClinVar variation 2734659 (VCV002734659.5), dbSNP rs746846045, ClinGen allele CA3001983.

ClinVar aggregate classification (germline): Likely pathogenic. Review status: criteria provided, multiple submitters, no conflicts (2 of 4 stars). 2 submissions from 2 submitters: Likely pathogenic (2). Last evaluated 2023-05-22.

Conditions:
Hypophosphatemic rickets, autosomal recessive, 1 (ARHR1). Also called: HYPOPHOSPHATEMIA, AUTOSOMAL RECESSIVE. Identifiers: Orphanet 289176, MedGen C4551495, MONDO:0009430, OMIM 241520. Disease mechanism: loss of function.

Allele frequency attached by ClinVar (database versions not stated): ExAC 0.00001; gnomAD exomes 0.00001; TOPMed 0.00001.
gnomAD v4.1: 3 of 1,614,124 alleles (0.00019%); no homozygotes.

Submissions (2):

Labcorp Genetics (formerly Invitae), Labcorp
Classification: Likely pathogenic. Last evaluated: 2023-05-22. Review status: criteria provided, single submitter. Criteria: Invitae Variant Classification Sherloc (09022015). Collection method: clinical testing. Allele origin: germline.
Comment: This variant is present in population databases (rs746846045, gnomAD 0.009%). In summary, the currently available evidence indicates that the variant is pathogenic, but additional data are needed to prove that conclusively. Therefore, this variant has been classified as Likely Pathogenic. Variants that disrupt the consensus splice site are a relatively common cause of aberrant splicing (PMID: 17576681, 9536098). Algorithms developed to predict the effect of sequence changes on RNA splicing suggest that this variant may disrupt the consensus splice site. This variant is also known as IVS5-1G>A. Disruption of this splice site has been observed in individuals with clinical features of hypophosphatemic rickets (PMID: 20499351, 32920683). It has also been observed to segregate with disease in related individuals. This sequence change affects an acceptor splice site in intron 5 of the DMP1 gene. While this variant is not anticipated to result in nonsense mediated decay, it likely alters RNA splicing and results in a disrupted protein product.

Juno Genomics, Hangzhou Juno Genomics, Inc
Classification: Likely pathogenic for Hypophosphatemic rickets, autosomal recessive, 1. Review status: criteria provided, single submitter. Criteria: ACMG Guidelines, 2015. Collection method: clinical testing. Allele origin: germline.
Comment: Absent from controls (or at extremely low frequency if recessive) in Genome Aggregation Database.;Null variant in a gene where loss of function (LOF) is a known mechanism of disease.;For recessive disorders, detected in trans with a pathogenic variant.;Co-segregation with disease in multiple affected family members.

Literature cited by the submitters: PubMed 17576681 (cited by Labcorp Genetics (formerly Invitae), Labcorp); PubMed 9536098 (cited by Labcorp Genetics (formerly Invitae), Labcorp); PubMed 20499351 (cited by Labcorp Genetics (formerly Invitae), Labcorp); PubMed 32920683 (cited by Labcorp Genetics (formerly Invitae), Labcorp).